The following is an entry in ClinVar:

ClinVar aggregate classification (germline): Uncertain significance (1 of 4 stars; one submission).

Conditions:
Bethlem myopathy 1A. Also called: MYOPATHY, BENIGN CONGENITAL, WITH CONTRACTURES; Bethlem Muscular Dystrophy; Bethlem myopathy 1. Identifiers: Orphanet 610, MedGen CN029274, MONDO:0024530, OMIM 158810.

Submission:

Labcorp Genetics (formerly Invitae), Labcorp
Classification: Uncertain significance for Bethlem myopathy 1A. Last evaluated: 2021-06-07. Review status: criteria provided, single submitter. Criteria: Invitae Variant Classification Sherloc (09022015). Collection method: clinical testing. Allele origin: germline.
Comment: This sequence change replaces glycine with arginine at codon 1997 of the COL6A3 protein (p.Gly1997Arg). The glycine residue is highly conserved and there is a moderate physicochemical difference between glycine and arginine. This variant is not present in population databases (ExAC no frequency). This variant has not been reported in the literature in individuals with COL6A3-related conditions. Advanced modeling of protein sequence and biophysical properties (such as structural, functional, and spatial information, amino acid conservation, physicochemical variation, residue mobility, and thermodynamic stability) performed at Invitae indicates that this missense variant is expected to disrupt COL6A3 protein function. In summary, the available evidence is currently insufficient to determine the role of this variant in disease. Therefore, it has been classified as a Variant of Uncertain Significance.

NM_004369.4(COL6A3):c.5989G>A (p.Gly1997Arg)

Gene: COL6A3 (collagen type VI alpha 3 chain; minus strand). Cytogenetic location: 2q37.3.
Variant type: single nucleotide variant.
Coding change: c.5989G>A on transcript NM_004369.4 (MANE Select); coding-DNA position 5989, G replaced by A.
Protein change: p.Gly1997Arg; replaces glycine 1997 with arginine.
Molecular consequence: missense variant.
Genome position (GRCh38, 1-based): chr2:237,363,327, C>T on the plus strand (G>A on the coding strand, the complement: COL6A3 is on the minus strand). VCF-style: chr2-237363327-C-T. GRCh37 (hg19) VCF-style: chr2-238271970-C-T.
Other names: c.4168G>A, p.Gly1390Arg (NM_057166.5); c.5371G>A, p.Gly1791Arg (NM_057167.4); short protein forms G1791R, G1390R, G1997R.
Identifiers: ClinVar variation 1357443 (VCV001357443.8), dbSNP rs1326219992, ClinGen allele CA351219005.